The following is an entry in ClinVar:

NM_001540.5(HSPB1):c.364G>A (p.Gly122Ser)

Gene: HSPB1 (heat shock protein family B (small) member 1; plus strand). Cytogenetic location: 7q11.23.
Variant type: single nucleotide variant.
Coding change: c.364G>A on transcript NM_001540.5 (MANE Select); coding-DNA position 364, G replaced by A.
Protein change: p.Gly122Ser; replaces glycine 122 with serine.
Molecular consequence: missense variant.
Genome position (GRCh38, 1-based): chr7:76,303,076, G>A. VCF-style: chr7-76303076-G-A. GRCh37 (hg19) VCF-style: chr7-75932393-G-A.
Other names: c.364G>A (LRG_248t1); short protein forms G122S.
Identifiers: ClinVar variation 581650 (VCV000581650.39), dbSNP rs780988351, ClinGen allele CA4306312.
Genomic context (GRCh38, chr7:76,303,076, plus strand): 5'-AACCACTTCGCCCCGGACGAGCTGACGGTCAAGACCAAGGATGGCGTGGTGGAGATCACC[G>A]GTGAGCCCCCCTGCTCCTGCAGGGGAGAGGAGGAGGCTAGCAGGGCGGGCAGGGCCGGGG-3'
Protein context (NP_001531.1, residues 112-132): KTKDGVVEIT[Gly122Ser]KHEERQDEHG

ClinVar aggregate classification (germline): Uncertain significance. Review status: criteria provided, multiple submitters, no conflicts (2 of 4 stars). 3 submissions from 3 submitters: Uncertain significance (3). Last evaluated 2024-05-01.

Conditions:
Charcot-Marie-Tooth disease. Also called: Charcot-Marie-Tooth Hereditary Neuropathy; Charcot-Marie-Tooth Neuropathy. Identifiers: Orphanet 166, MedGen C0007959, MONDO:0015626.
Charcot-Marie-Tooth disease axonal type 2F (CMT2F). Also called: CHARCOT-MARIE-TOOTH DISEASE, NEURONAL, TYPE 2F; Charcot-Marie-Tooth Neuropathy Type 2F. Identifiers: Orphanet 99940, MedGen C1847823, MONDO:0011687, OMIM 606595.

Allele frequency attached by ClinVar (database versions not stated): TOPMed 0.00002; gnomAD 0.00003 and 0.00004; ExAC 0.00010.
gnomAD v4.1: 45 of 1,523,786 alleles (0.003%); highest among the groups gnomAD compares: Non-Finnish European, 0.0036%; no homozygotes.

Submissions (3):

CeGaT Center for Human Genetics Tuebingen
Classification: Uncertain significance. Last evaluated: 2024-05-01. Review status: criteria provided, single submitter. Criteria: CeGaT Center For Human Genetics Tuebingen Variant Classification Criteria Version 2. Collection method: clinical testing. Allele origin: germline. Affected: yes. Observed: 2 variant alleles.
Comment: HSPB1: PM1, PM2, PP3

Labcorp Genetics (formerly Invitae), Labcorp
Classification: Uncertain significance for Charcot-Marie-Tooth disease axonal type 2F. Last evaluated: 2018-04-08. Review status: criteria provided, single submitter. Criteria: Invitae Variant Classification Sherloc (09022015). Collection method: clinical testing. Allele origin: germline.
Comment: Algorithms developed to predict the effect of missense changes on protein structure and function do not agree on the potential impact of this missense change (SIFT: "Tolerated"; PolyPhen-2: "Probably Damaging"; Align-GVGD: "Class C0"). This variant has not been reported in the literature in individuals with HSPB1-related disease. The frequency data for this variant in the population databases is considered unreliable, as metrics indicate poor data quality at this position in the ExAC database. This sequence change replaces glycine with serine at codon 122 of the HSPB1 protein (p.Gly122Ser). The glycine residue is highly conserved and there is a small physicochemical difference between glycine and serine. Algorithms developed to predict the effect of sequence changes on RNA splicing suggest that this variant may disrupt the consensus splice site, but this prediction has not been confirmed by published transcriptional studies. In summary, the available evidence is currently insufficient to determine the role of this variant in disease. Therefore, it has been classified as a Variant of Uncertain Significance.

Molecular Genetics Laboratory, London Health Sciences Centre
Classification: Uncertain significance for Charcot-Marie-Tooth disease. Review status: criteria provided, single submitter. Criteria: ACMG Guidelines, 2015. Collection method: clinical testing. Allele origin: germline. Affected: yes.